The following is an entry in ClinVar:

ClinVar aggregate classification (germline): Uncertain significance (1 of 4 stars; one submission).

Conditions:
Severe combined immunodeficiency due to DNA-PKcs deficiency. Also called: IMMUNODEFICIENCY 26 WITH NEUROLOGIC ABNORMALITIES; Immunodeficiency 26 with or without neurologic abnormalities. Identifiers: Orphanet 317425, MedGen C4014833, MONDO:0014423, OMIM 615966.

gnomAD v4.1: 2 of 1,613,662 alleles (0.00012%); highest among the groups gnomAD compares: Non-Finnish European, 0.00017%; no homozygotes.

Submission:

Labcorp Genetics (formerly Invitae), Labcorp
Classification: Uncertain significance for Severe combined immunodeficiency due to DNA-PKcs deficiency. Last evaluated: 2021-01-08. Review status: criteria provided, single submitter. Criteria: Invitae Variant Classification Sherloc (09022015). Collection method: clinical testing. Allele origin: germline.
Comment: In summary, the available evidence is currently insufficient to determine the role of this variant in disease. Therefore, it has been classified as a Variant of Uncertain Significance. Experimental studies and prediction algorithms are not available or were not evaluated, and the effect of this variant on mRNA splicing is currently unknown. This variant has not been reported in the literature in individuals with PRKDC-related conditions. This variant is not present in population databases (ExAC no frequency). This sequence change affects codon 3799 of the PRKDC mRNA. It is a 'silent' change, meaning that it does not change the encoded amino acid sequence of the PRKDC protein. It affects a nucleotide within the consensus splice site of the intron.

NM_006904.7(PRKDC):c.11397G>A (p.Arg3799=)

Gene: PRKDC (protein kinase, DNA-activated, catalytic subunit; minus strand). Cytogenetic location: 8q11.21.
Variant type: single nucleotide variant.
Coding change: c.11397G>A on transcript NM_006904.7 (MANE Select); coding-DNA position 11397, G replaced by A.
Protein change: p.Arg3799=; no amino-acid change (arginine 3799 retained).
Molecular consequence: synonymous variant. On other transcripts: intron variant (1).
Genome position (GRCh38, 1-based): chr8:47,782,254, C>T on the plus strand (G>A on the coding strand, the complement: PRKDC is on the minus strand). VCF-style: chr8-47782254-C-T. GRCh37 (hg19) VCF-style: chr8-48694815-C-T.
Other names: c.11396+124G>A (NM_001081640.2).
Identifiers: ClinVar variation 1489690 (VCV001489690.8), dbSNP rs2154497507, ClinGen allele CA460602383.